The following is an entry in ClinVar:

NM_001276345.2(TNNT2):c.676A>G (p.Arg226Gly)

Gene: TNNT2 (troponin T2, cardiac type; minus strand). Cytogenetic location: 1q32.1.
Variant type: single nucleotide variant.
Coding change: c.676A>G on transcript NM_001276345.2 (MANE Select); coding-DNA position 676, A replaced by G.
Protein change: p.Arg226Gly; replaces arginine 226 with glycine.
Molecular consequence: missense variant.
Genome position (GRCh38, 1-based): chr1:201,361,956, T>C on the plus strand (A>G on the coding strand, the complement: TNNT2 is on the minus strand). VCF-style: chr1-201361956-T-C. GRCh37 (hg19) VCF-style: chr1-201331084-T-C.
Other names: c.667A>G, p.Arg223Gly (NM_000364.4); c.646A>G, p.Arg216Gly (NM_001001430.3, NM_001276347.2); c.637A>G, p.Arg213Gly (NM_001001431.3); c.628A>G, p.Arg210Gly (NM_001001432.3); c.547A>G, p.Arg183Gly (NM_001276346.2); short protein forms R183G, R223G, R210G, R213G, R216G, R226G.
Identifiers: ClinVar variation 1504019 (VCV001504019.8), dbSNP rs1658724713, ClinGen allele CA344203675.

ClinVar aggregate classification (germline): Uncertain significance (1 of 4 stars; one submission).

Conditions:
Hypertrophic cardiomyopathy 2. Also called: TNNT2-Related Familial Hypertrophic Cardiomyopathy. Identifiers: MedGen C1861864, MONDO:0007266, OMIM 115195.
Dilated cardiomyopathy 1D. Identifiers: Orphanet 154, Orphanet 54260, MedGen C1832243, MONDO:0011095, OMIM 601494.
Cardiomyopathy, familial restrictive, 3. Identifiers: Orphanet 75249, MedGen C2676271, MONDO:0012900, OMIM 612422.

Submission:

Labcorp Genetics (formerly Invitae), Labcorp
Classification: Uncertain significance for Cardiomyopathy, familial restrictive, 3; Hypertrophic cardiomyopathy 2; Dilated cardiomyopathy 1D. Last evaluated: 2021-08-13. Review status: criteria provided, single submitter. Criteria: Invitae Variant Classification Sherloc (09022015). Collection method: clinical testing. Allele origin: germline.
Comment: In summary, the available evidence is currently insufficient to determine the role of this variant in disease. Therefore, it has been classified as a Variant of Uncertain Significance. Algorithms developed to predict the effect of missense changes on protein structure and function (SIFT, PolyPhen-2, Align-GVGD) all suggest that this variant is likely to be tolerated. This variant has not been reported in the literature in individuals affected with TNNT2-related conditions. This variant is not present in population databases (ExAC no frequency). This sequence change replaces arginine with glycine at codon 216 of the TNNT2 protein (p.Arg216Gly). The arginine residue is moderately conserved and there is a moderate physicochemical difference between arginine and glycine.